The following is an entry in ClinVar:

ClinVar aggregate classification (germline): Uncertain significance (1 of 4 stars; one submission).

Conditions:
Supravalvar aortic stenosis (SVAS). Also called: Supravalvar aortic stenosis, Eisenberg type. Identifiers: Orphanet 3193, MedGen C0003499, MONDO:0008504, OMIM 185500, HP:0004381.

Submission:

Labcorp Genetics (formerly Invitae), Labcorp
Classification: Uncertain significance for Supravalvar aortic stenosis. Last evaluated: 2019-11-19. Review status: criteria provided, single submitter. Criteria: Invitae Variant Classification Sherloc (09022015). Collection method: clinical testing. Allele origin: germline.
Comment: This variant, c.1533_1550del, results in the deletion of 6 amino acid(s) of the ELN protein (p.Val520_Gly525del), but otherwise preserves the integrity of the reading frame. Experimental studies and prediction algorithms are not available or were not evaluated, and the functional significance of this variant is currently unknown. This variant has not been reported in the literature in individuals with ELN-related conditions. This variant is not present in population databases (ExAC no frequency). In summary, the available evidence is currently insufficient to determine the role of this variant in disease. Therefore, it has been classified as a Variant of Uncertain Significance.

NM_000501.4(ELN):c.1446_1463del (p.479VAPGVG[2])

Genes: ELN (elastin; plus strand), ELN-AS1 (ELN antisense RNA 1; minus strand). Cytogenetic location: 7q11.23.
Variant type: Deletion.
Coding change: c.1446_1463del on transcript NM_000501.4 (MANE Select); coding-DNA positions 1446 to 1463, 18 bases deleted (AGTTGGCGTGGCTCCTGG).
Protein change: p.479VAPGVG[2].
Molecular consequence: inframe deletion.
Genome position (GRCh38, 1-based): chr7:74,059,917-74,059,934, AGTTGGCGTGGCTCCTGG deleted; deleting any 18 consecutive bases within chr7:74,059,903-74,059,934 gives the same sequence; the c. name uses the placement nearest the transcript's 3' end. VCF-style (leftmost placement, unchanged base first): chr7-74059902-CGGCGTGGCTCCTGGAGTT-C. GRCh37 (hg19) VCF-style: chr7-73474232-CGGCGTGGCTCCTGGAGTT-C.
Other names: c.1359_1376del, p.450VAPGVG[2] (NM_001081752.3); c.1404_1421del, p.465VAPGVG[2] (NM_001081753.3); c.1461_1478del, p.484VAPGVG[2] (NM_001081754.3); c.1389_1406del, p.460VAPGVG[2] (NM_001081755.3); c.1446_1463del, p.479VAPGVG[2] (NM_001278912.2); c.1203_1220del, p.398VAPGVG[2] (NM_001278913.2); c.1374_1391del, p.455VAPGVG[2] (NM_001278914.2); c.1464_1481del, p.485VAPGVG[2] (NM_001278915.2); and 4 more.
Identifiers: ClinVar variation 836268 (VCV000836268.8), dbSNP rs1563852008, ClinGen allele CA916082931.
Genomic context (GRCh38, chr7:74,059,902, plus strand): 5'-TTGATCAGGTCTTGGTTAATGATCAGCTCTTCTCAATCTTGCAGGGTTAGTTCCTGGTGT[CGGCGTGGCTCCTGGAGTT>C]GGCGTGGCTCCTGGTGTCGGTGTGGCTCCTGGAGTTGGCTTGGCTCCTGGAGTTGGCGTG-3'